The following is an entry in ClinVar:

ClinVar aggregate classification (germline): Likely benign. Review status: criteria provided, multiple submitters, no conflicts (2 of 4 stars). 3 submissions from 3 submitters: Likely benign (2). 1 of the submissions does not count toward it. Last evaluated 2024-02-17.

Conditions:
LEP-related disorder. Also called: LEP-related condition.

Allele frequency attached by ClinVar (database versions not stated): ExAC 0.00002; gnomAD exomes 0.00002 and 0.00005; gnomAD 0.00007 and 0.00009; ESP Exome Variant Server 0.00008; TOPMed 0.00016.
gnomAD v4.1: 45 of 1,614,066 alleles (0.0028%); highest among the groups gnomAD compares: Admixed American, 0.022%; no homozygotes.

Submissions (3):

Labcorp Genetics (formerly Invitae), Labcorp
Classification: Likely benign. Last evaluated: 2024-02-17. Review status: criteria provided, single submitter. Criteria: Invitae Variant Classification Sherloc (09022015). Collection method: clinical testing. Allele origin: germline.

Genetic Services Laboratory, University of Chicago
Classification: Likely benign. Last evaluated: 2017-02-07. Review status: criteria provided, single submitter. Criteria: ACMG Guidelines, 2015. Collection method: clinical testing. Allele origin: germline. Affected: no.

PreventionGenetics, part of Exact Sciences
Classification: Likely benign for LEP-related condition. Last evaluated: 2019-09-04. Review status: no assertion criteria provided. Collection method: clinical testing. Allele origin: germline. Not counted in ClinVar's aggregate classification.
Comment: This variant is classified as likely benign based on ACMG/AMP sequence variant interpretation guidelines (Richards et al. 2015 PMID: 25741868, with internal and published modifications).

NM_000230.3(LEP):c.276A>G (p.Arg92=)

Gene: LEP (leptin; plus strand). Cytogenetic location: 7q32.1.
Variant type: single nucleotide variant.
Coding change: c.276A>G on transcript NM_000230.3 (MANE Select); coding-DNA position 276, A replaced by G.
Protein change: p.Arg92=; no amino-acid change (arginine 92 retained).
Molecular consequence: synonymous variant.
Genome position (GRCh38, 1-based): chr7:128,254,535, A>G. VCF-style: chr7-128254535-A-G. GRCh37 (hg19) VCF-style: chr7-127894588-A-G.
Identifiers: ClinVar variation 435745 (VCV000435745.10), dbSNP rs201185232, ClinGen allele CA4469683.